The following is an entry in ClinVar:

ClinVar aggregate classification (germline): Uncertain significance (1 of 4 stars; one submission).

Conditions:
Progressive sclerosing poliodystrophy (MTDPS4A). Also called: Mitochondrial DNA depletion syndrome 4A (Alpers type); ALPERS DIFFUSE DEGENERATION OF CEREBRAL GRAY MATTER WITH HEPATIC CIRRHOSIS; Alpers-Huttenlocher Syndrome; Mitochondrial DNA Depletion Syndrome 4A; Alpers-Huttenlocher Syndrome (AHS); ALPERS PROGRESSIVE INFANTILE POLIODYSTROPHY. Identifiers: Orphanet 726, MedGen C0205710, MONDO:0008758, OMIM 203700.

gnomAD v4.1: 2 of 1,613,742 alleles (0.00012%); highest among the groups gnomAD compares: Non-Finnish European, 0.00017%; no homozygotes.

Submission:

Labcorp Genetics (formerly Invitae), Labcorp
Classification: Uncertain significance for Progressive sclerosing poliodystrophy. Last evaluated: 2025-05-07. Review status: criteria provided, single submitter. Criteria: Invitae Variant Classification Sherloc (09022015). Collection method: clinical testing. Allele origin: germline.
Comment: This sequence change replaces alanine, which is neutral and non-polar, with serine, which is neutral and polar, at codon 402 of the POLG protein (p.Ala402Ser). This variant is not present in population databases (gnomAD no frequency). This variant has not been reported in the literature in individuals affected with POLG-related conditions. Invitae Evidence Modeling of protein sequence and biophysical properties (such as structural, functional, and spatial information, amino acid conservation, physicochemical variation, residue mobility, and thermodynamic stability) indicates that this missense variant is expected to disrupt POLG protein function with a positive predictive value of 95%. In summary, the available evidence is currently insufficient to determine the role of this variant in disease. Therefore, it has been classified as a Variant of Uncertain Significance.

NM_002693.3(POLG):c.1204G>T (p.Ala402Ser)

Gene: POLG (DNA polymerase gamma, catalytic subunit; minus strand). Cytogenetic location: 15q26.1.
Variant type: single nucleotide variant.
Coding change: c.1204G>T on transcript NM_002693.3 (MANE Select); coding-DNA position 1204, G replaced by T.
Protein change: p.Ala402Ser; replaces alanine 402 with serine.
Molecular consequence: missense variant.
Genome position (GRCh38, 1-based): chr15:89,328,502, C>A on the plus strand (G>T on the coding strand, the complement: POLG is on the minus strand). VCF-style: chr15-89328502-C-A. GRCh37 (hg19) VCF-style: chr15-89871733-C-A.
Other names: c.1204G>T, p.Ala402Ser (NM_001126131.2); short protein forms A402S.
Identifiers: ClinVar variation 4755070 (VCV004755070.1).